The following is an entry in ClinVar:

ClinVar aggregate classification (germline): Uncertain significance (1 of 4 stars; one submission).

Conditions:
Hereditary breast ovarian cancer syndrome. Also called: Hereditary breast and ovarian cancer syndrome; Breast and ovarian cancer; Hereditary breast and/or ovarian cancer syndrome; Hereditary breast and ovarian cancer; BRCA1- and BRCA2-Associated Hereditary Breast and Ovarian Cancer; Hereditary breast and ovarian cancer syndrome (HBOC). Identifiers: Orphanet 145, MedGen C0677776, MeSH D061325, MONDO:0003582. Disease mechanism: loss of function.

gnomAD v4.1: 1 of 1,613,946 alleles (0.000062%); no homozygotes.

Submission:

Labcorp Genetics (formerly Invitae), Labcorp
Classification: Uncertain significance for Hereditary breast ovarian cancer syndrome. Last evaluated: 2019-02-16. Review status: criteria provided, single submitter. Criteria: Invitae Variant Classification Sherloc (09022015). Collection method: clinical testing. Allele origin: germline.
Comment: This variant has not been reported in the literature in individuals with BRCA2-related conditions. This sequence change replaces serine with phenylalanine at codon 3192 of the BRCA2 protein (p.Ser3192Phe). The serine residue is weakly conserved and there is a large physicochemical difference between serine and phenylalanine. This variant is not present in population databases (ExAC no frequency). Algorithms developed to predict the effect of missense changes on protein structure and function are either unavailable or do not agree on the potential impact of this missense change (SIFT: "Tolerated"; PolyPhen-2: "Probably Damaging"; Align-GVGD: "Class C0"). In summary, the available evidence is currently insufficient to determine the role of this variant in disease. Therefore, it has been classified as a Variant of Uncertain Significance.

NM_000059.4(BRCA2):c.9575C>T (p.Ser3192Phe)

Gene: BRCA2 (BRCA2 DNA repair associated; plus strand). Cytogenetic location: 13q13.1.
Variant type: single nucleotide variant.
Coding change: c.9575C>T on transcript NM_000059.4 (MANE Select); coding-DNA position 9575, C replaced by T.
Protein change: p.Ser3192Phe; replaces serine 3192 with phenylalanine.
Molecular consequence: missense variant.
Genome position (GRCh38, 1-based): chr13:32,396,971, C>T. VCF-style: chr13-32396971-C-T. GRCh37 (hg19) VCF-style: chr13-32971108-C-T.
Other names: short protein forms S3192F.
Identifiers: ClinVar variation 850111 (VCV000850111.10), dbSNP rs2073041082, ClinGen allele CA387763385.
Genomic context (GRCh38, chr13:32,396,971, plus strand): 5'-TTTGCAATGAAGCAGAAAACAAGCTTATGCATATACTGCATGCAAATGATCCCAAGTGGT[C>T]CACCCCAACTAAAGACTGTACTTCAGGGCCGTACACTGCTCAAATCATTCCTGGTACAGG-3'
Protein context (NP_000050.3, residues 3182-3202): HILHANDPKW[Ser3192Phe]TPTKDCTSGP